The following is an entry in ClinVar:

NM_139058.3(ARX):c.610C>T (p.Arg204Cys)

Gene: ARX (aristaless related homeobox; minus strand). Cytogenetic location: Xp21.3.
Variant type: single nucleotide variant.
Coding change: c.610C>T on transcript NM_139058.3 (MANE Select); coding-DNA position 610, C replaced by T.
Protein change: p.Arg204Cys; replaces arginine 204 with cysteine.
Molecular consequence: missense variant.
Genome position (GRCh38, 1-based): chrX:25,013,385, G>A on the plus strand (C>T on the coding strand, the complement: ARX is on the minus strand). VCF-style: chrX-25013385-G-A. GRCh37 (hg19) VCF-style: chrX-25031502-G-A.
Other names: short protein forms R204C.
Identifiers: ClinVar variation 2629842 (VCV002629842.2), dbSNP rs777162737, ClinGen allele CA412612808.
Genomic context (GRCh38, chrX:25,013,385, plus strand): 5'-CGGTGCCGGTGCCACCACCCGCAGCCGGGGCGCTGCCCGGGCCGCCGGCCACGCCGAGGC[G>A]CTCCTCCGGGTGCGTGACGCCCCCCGGGCCGCCCAGCTCGTCCAGCGCGGGCGGCGGCGG-3'
Protein context (NP_620689.1, residues 194-214): GPGGVTHPEE[Arg204Cys]LGVAGGPGSA

ClinVar aggregate classification (germline): Uncertain significance. Review status: criteria provided, multiple submitters, no conflicts (2 of 4 stars). 2 submissions from 2 submitters: Uncertain significance (2). Last evaluated 2025-02-12.

Conditions:
Inborn genetic diseases. Identifiers: MedGen C0950123, MeSH D030342.
ARX-related disorder. Also called: ARX-Related Disorders; ARX-related condition. Identifiers: MedGen CN378769.

gnomAD v4.1: 1 of 1,120,471 alleles (0.000089%); highest among the groups gnomAD compares: Non-Finnish European, 0.00012%; no homozygotes.

Submissions (2):

Ambry Genetics
Classification: Uncertain significance for Inborn genetic diseases. Last evaluated: 2025-02-12. Review status: criteria provided, single submitter. Criteria: Ambry Variant Classification Scheme 2023. Collection method: clinical testing. Allele origin: germline.

PreventionGenetics, part of Exact Sciences
Classification: Uncertain significance for ARX-related condition. Last evaluated: 2023-01-24. Review status: criteria provided, single submitter. Criteria: ACMG Guidelines, 2015. Collection method: clinical testing. Allele origin: germline.
Comment: The ARX c.610C>T variant is predicted to result in the amino acid substitution p.Arg204Cys. To our knowledge, this variant has not been reported in the literature or in a large population database, indicating this variant is rare. At this time, the clinical significance of this variant is uncertain due to the absence of conclusive functional and genetic evidence.